The following is an entry in ClinVar:

NM_021870.3(FGG):c.319G>A (p.Ala107Thr)

Gene: FGG (fibrinogen gamma chain; minus strand). Cytogenetic location: 4q32.1.
Variant type: single nucleotide variant.
Coding change: c.319G>A on transcript NM_021870.3 (MANE Select); coding-DNA position 319, G replaced by A.
Protein change: p.Ala107Thr; replaces alanine 107 with threonine.
Molecular consequence: missense variant.
Genome position (GRCh38, 1-based): chr4:154,611,887, C>T on the plus strand (G>A on the coding strand, the complement: FGG is on the minus strand). VCF-style: chr4-154611887-C-T. GRCh37 (hg19) VCF-style: chr4-155533039-C-T.
Other names: c.319G>A, p.Ala107Thr (NM_000509.6); short protein forms A107T.
Identifiers: ClinVar variation 4751593 (VCV004751593.1).

ClinVar aggregate classification (germline): Uncertain significance (1 of 4 stars; one submission).

Submission:

Labcorp Genetics (formerly Invitae), Labcorp
Classification: Uncertain significance. Last evaluated: 2025-09-30. Review status: criteria provided, single submitter. Criteria: Invitae Variant Classification Sherloc (09022015). Collection method: clinical testing. Allele origin: germline.
Comment: This sequence change replaces alanine, which is neutral and non-polar, with threonine, which is neutral and polar, at codon 107 of the FGG protein (p.Ala107Thr). This variant is present in population databases (rs754465392, gnomAD 0.01%). This variant has not been reported in the literature in individuals affected with FGG-related conditions. Invitae Evidence Modeling of protein sequence and biophysical properties (such as structural, functional, and spatial information, amino acid conservation, physicochemical variation, residue mobility, and thermodynamic stability) indicates that this missense variant is not expected to disrupt FGG protein function with a negative predictive value of 80%. In summary, the available evidence is currently insufficient to determine the role of this variant in disease. Therefore, it has been classified as a Variant of Uncertain Significance.